The following is an entry in ClinVar:

ClinVar aggregate classification (germline): Likely benign. Review status: criteria provided, multiple submitters, no conflicts (2 of 4 stars). 2 submissions from 2 submitters: Likely benign (2). Last evaluated 2026-03-01.

Allele frequency attached by ClinVar (database versions not stated): ESP Exome Variant Server 0.00023; TOPMed 0.00024; gnomAD exomes 0.00025; ExAC 0.00036; gnomAD 0.00044.
gnomAD v4.1: 425 of 1,613,936 alleles (0.026%); highest among the groups gnomAD compares: African/African-American, 0.025%; 3 homozygotes.

Submissions (2):

CeGaT Center for Human Genetics Tuebingen
Classification: Likely benign. Last evaluated: 2026-03-01. Review status: criteria provided, single submitter. Criteria: CeGaT Center For Human Genetics Tuebingen Variant Classification Criteria Version 2. Collection method: clinical testing. Allele origin: germline. Affected: yes. Observed: 2 variant alleles.
Comment: HAVCR2: BP4, BP7

Blueprint Genetics
Classification: Likely benign. Last evaluated: 2024-11-18. Review status: criteria provided, single submitter. Criteria: ACMG Guidelines, 2015. Collection method: clinical testing. Allele origin: germline.

NM_032782.5(HAVCR2):c.810C>T (p.Asn270=)

Gene: HAVCR2 (hepatitis A virus cellular receptor 2; minus strand). Cytogenetic location: 5q33.3.
Variant type: single nucleotide variant.
Coding change: c.810C>T on transcript NM_032782.5 (MANE Select); coding-DNA position 810, C replaced by T.
Protein change: p.Asn270=; no amino-acid change (asparagine 270 retained).
Molecular consequence: synonymous variant.
Genome position (GRCh38, 1-based): chr5:157,087,198, G>A on the plus strand (C>T on the coding strand, the complement: HAVCR2 is on the minus strand). VCF-style: chr5-157087198-G-A. GRCh37 (hg19) VCF-style: chr5-156514209-G-A.
Identifiers: ClinVar variation 3234171 (VCV003234171.21), dbSNP rs150223677, ClinGen allele CA3531774.